The following is an entry in ClinVar:

NM_000321.3(RB1):c.921A>G (p.Thr307=)

Gene: RB1 (RB transcriptional corepressor 1; plus strand). Cytogenetic location: 13q14.2.
Variant type: single nucleotide variant.
Coding change: c.921A>G on transcript NM_000321.3 (MANE Select); coding-DNA position 921, A replaced by G.
Protein change: p.Thr307=; no amino-acid change (threonine 307 retained).
Molecular consequence: synonymous variant.
Genome position (GRCh38, 1-based): chr13:48,364,953, A>G. VCF-style: chr13-48364953-A-G. GRCh37 (hg19) VCF-style: chr13-48939089-A-G.
Identifiers: ClinVar variation 1094733 (VCV001094733.12), dbSNP rs1268911747, ClinGen allele CA483558059.

ClinVar aggregate classification (germline): Benign/Likely benign. Review status: criteria provided, multiple submitters, no conflicts (2 of 4 stars). 3 submissions from 3 submitters: Benign (1); Likely benign (2). Last evaluated 2026-06-24.

Conditions:
Hereditary cancer-predisposing syndrome. Also called: Neoplastic Syndromes, Hereditary; Tumor predisposition; Hereditary Cancer Syndrome; Hereditary neoplastic syndrome. Identifiers: Orphanet 140162, MedGen C0027672, MeSH D009386, MONDO:0015356.
Retinoblastoma (RB1). Also called: RETINOBLASTOMA, SOMATIC. Identifiers: Orphanet 790, MedGen C0035335, MeSH D012175, MONDO:0008380, OMIM 180200, HP:0009919. Disease mechanism: loss of function. Inheritance: Both sporadic and heritable forms are tested..

gnomAD v4.1: 1 of 1,572,316 alleles (0.000064%); highest among the groups gnomAD compares: Non-Finnish European, 0.000087%; no homozygotes.

Submissions (3):

Myriad Genetics, Inc.
Classification: Benign for Retinoblastoma. Last evaluated: 2026-06-24. Review status: criteria provided, single submitter. Criteria: Myriad Autosomal Dominant, Autosomal Recessive and X-Linked Classification Criteria (2023). Collection method: clinical testing. Allele origin: unknown.
Comment: This variant is considered benign. This variant is a silent/synonymous amino acid change and it is not expected to impact splicing.

Labcorp Genetics (formerly Invitae), Labcorp
Classification: Likely benign for Retinoblastoma. Last evaluated: 2025-01-13. Review status: criteria provided, single submitter. Criteria: Invitae Variant Classification Sherloc (09022015). Collection method: clinical testing. Allele origin: germline.

Ambry Genetics
Classification: Likely benign for Hereditary cancer-predisposing syndrome. Last evaluated: 2021-04-18. Review status: criteria provided, single submitter. Criteria: Ambry Variant Classification Scheme 2023. Collection method: clinical testing. Allele origin: germline.